The following is an entry in ClinVar:

ClinVar aggregate classification (germline): Uncertain significance (1 of 4 stars; one submission).

Conditions:
Glutamate formiminotransferase deficiency. Also called: Formiminoglutamic aciduria; Arakawa syndrome 1. Identifiers: Orphanet 51208, MedGen C0268609, MONDO:0009240, OMIM 229100.

Allele frequency attached by ClinVar (database versions not stated): ExAC 0.00001; gnomAD exomes 0.00001 and 0.00002; gnomAD 0.00002; TOPMed 0.00002.

Submission:

Labcorp Genetics (formerly Invitae), Labcorp
Classification: Uncertain significance for Glutamate formiminotransferase deficiency. Last evaluated: 2021-12-26. Review status: criteria provided, single submitter. Criteria: Invitae Variant Classification Sherloc (09022015). Collection method: clinical testing. Allele origin: germline.
Comment: In summary, the available evidence is currently insufficient to determine the role of this variant in disease. Therefore, it has been classified as a Variant of Uncertain Significance. Algorithms developed to predict the effect of missense changes on protein structure and function output the following: SIFT: "Tolerated"; PolyPhen-2: "Benign"; Align-GVGD: "Class C0". The threonine amino acid residue is found in multiple mammalian species, which suggests that this missense change does not adversely affect protein function. This variant has not been reported in the literature in individuals affected with FTCD-related conditions. This variant is present in population databases (rs760635509, gnomAD 0.003%). This sequence change replaces alanine, which is neutral and non-polar, with threonine, which is neutral and polar, at codon 283 of the FTCD protein (p.Ala283Thr).

NM_206965.2(FTCD):c.847G>A (p.Ala283Thr)

Gene: FTCD (formimidoyltransferase cyclodeaminase; minus strand). Cytogenetic location: 21q22.3.
Variant type: single nucleotide variant.
Coding change: c.847G>A on transcript NM_206965.2 (MANE Select); coding-DNA position 847, G replaced by A.
Protein change: p.Ala283Thr; replaces alanine 283 with threonine.
Molecular consequence: missense variant.
Genome position (GRCh38, 1-based): chr21:46,150,178, C>T on the plus strand (G>A on the coding strand, the complement: FTCD is on the minus strand). VCF-style: chr21-46150178-C-T. GRCh37 (hg19) VCF-style: chr21-47570092-C-T.
Other names: c.847G>A, p.Ala283Thr (NM_001320412.2, NM_006657.3); short protein forms A283T.
Identifiers: ClinVar variation 1431801 (VCV001431801.6), dbSNP rs760635509, ClinGen allele CA10073696.